The following is an entry in ClinVar:

NM_000189.5(HK2):c.1161A>G (p.Ala387=)

Gene: HK2 (hexokinase 2; plus strand). Cytogenetic location: 2p12.
Variant type: single nucleotide variant.
Coding change: c.1161A>G on transcript NM_000189.5 (MANE Select); coding-DNA position 1161, A replaced by G.
Protein change: p.Ala387=; no amino-acid change (alanine 387 retained).
Molecular consequence: synonymous variant.
Genome position (GRCh38, 1-based): chr2:74,878,817, A>G. VCF-style: chr2-74878817-A-G. GRCh37 (hg19) VCF-style: chr2-75105944-A-G.
Other names: c.1077A>G, p.Ala359= (NM_001371525.2).
Identifiers: ClinVar variation 3052739 (VCV003052739.2), dbSNP rs138547217, ClinGen allele CA1731332.
Genomic context (GRCh38, chr2:74,878,817, plus strand): 5'-CTGCGTGGCCACTCACCGGATCTGCCAGATCGTGTCCACACGCTCCGCCAGCCTGTGCGC[A>G]GCCACCCTGGCCGCCGTGCTGCAGCGCATCAAGGAGAACAAAGGCGAGGAGCGGCTGCGC-3'
Protein context (NP_000180.2, residues 377-397): IVSTRSASLC[Ala387=]ATLAAVLQRI

ClinVar aggregate classification (germline): Likely benign (0 of 4 stars; one submission).

Conditions:
HK2-related disorder. Also called: HK2-related condition.

Allele frequency attached by ClinVar (database versions not stated): gnomAD 0.00002; ExAC 0.00009; ESP Exome Variant Server 0.00008.
gnomAD v4.1: 15 of 1,560,896 alleles (0.00096%); highest among the groups gnomAD compares: Admixed American, 0.0057%; no homozygotes.

Submission:

PreventionGenetics, part of Exact Sciences
Classification: Likely benign for HK2-related condition. Last evaluated: 2019-09-06. Review status: no assertion criteria provided. Collection method: clinical testing. Allele origin: germline.
Comment: This variant is classified as likely benign based on ACMG/AMP sequence variant interpretation guidelines (Richards et al. 2015 PMID: 25741868, with internal and published modifications).